The following is an entry in ClinVar:

ClinVar aggregate classification (germline): Conflicting classifications of pathogenicity. Review status: criteria provided, conflicting classifications (1 of 4 stars). 2 submissions from 2 submitters: Uncertain significance (1); Likely benign (1). Last evaluated 2025-10-30.

Conditions:
Hereditary cancer-predisposing syndrome. Also called: Hereditary Cancer Syndrome; Neoplastic Syndromes, Hereditary; Tumor predisposition; Hereditary neoplastic syndrome. Identifiers: Orphanet 140162, MedGen C0027672, MeSH D009386, MONDO:0015356.
Familial cancer of breast. Also called: BREAST CANCER, FAMILIAL; Hereditary breast cancer; hereditary breast carcinoma. Identifiers: Orphanet 227535, MedGen C0346153, MONDO:0016419, OMIM 114480. Disease mechanism: loss of function.

gnomAD v4.1: 1 of 1,613,710 alleles (0.000062%); highest among the groups gnomAD compares: Admixed American, 0.0017%; no homozygotes.

Submissions (2):

Ambry Genetics
Classification: Likely benign for Hereditary cancer-predisposing syndrome. Last evaluated: 2025-10-30. Review status: criteria provided, single submitter. Criteria: Ambry Variant Classification Scheme 2023. Collection method: clinical testing. Allele origin: germline.

Labcorp Genetics (formerly Invitae), Labcorp
Classification: Uncertain significance for Familial cancer of breast. Last evaluated: 2024-01-08. Review status: criteria provided, single submitter. Criteria: Invitae Variant Classification Sherloc (09022015). Collection method: clinical testing. Allele origin: germline.
Comment: This sequence change replaces glycine, which is neutral and non-polar, with arginine, which is basic and polar, at codon 853 of the PALB2 protein (p.Gly853Arg). This variant is not present in population databases (gnomAD no frequency). This variant has not been reported in the literature in individuals affected with PALB2-related conditions. Advanced modeling of protein sequence and biophysical properties (such as structural, functional, and spatial information, amino acid conservation, physicochemical variation, residue mobility, and thermodynamic stability) performed at Invitae indicates that this missense variant is not expected to disrupt PALB2 protein function with a negative predictive value of 80%. In summary, the available evidence is currently insufficient to determine the role of this variant in disease. Therefore, it has been classified as a Variant of Uncertain Significance.

NM_024675.4(PALB2):c.2557G>C (p.Gly853Arg)

Gene: PALB2 (partner and localizer of BRCA2; minus strand). Cytogenetic location: 16p12.2.
Variant type: single nucleotide variant.
Coding change: c.2557G>C on transcript NM_024675.4 (MANE Select); coding-DNA position 2557, G replaced by C.
Protein change: p.Gly853Arg; replaces glycine 853 with arginine.
Molecular consequence: missense variant. On other transcripts: intron variant (1).
Genome position (GRCh38, 1-based): chr16:23,629,233, C>G on the plus strand (G>C on the coding strand, the complement: PALB2 is on the minus strand). VCF-style: chr16-23629233-C-G. GRCh37 (hg19) VCF-style: chr16-23640554-C-G.
Other names: c.2497G>C, p.Gly833Arg (NM_001407296.1); c.2557G>C, p.Gly853Arg (NM_001407298.1, NM_001407299.1, NM_001407300.1 and 2 more transcripts); c.1672G>C, p.Gly558Arg (NM_001407304.1, NM_001407305.1, NM_001407306.1 and 5 more transcripts); c.769G>C, p.Gly257Arg (NM_001407312.1, NM_001407313.1); c.91G>C, p.Gly31Arg (NM_001407314.1); c.2514+407G>C (NM_001407297.1); short protein forms G257R, G853R, G833R, G31R, G558R.
Identifiers: ClinVar variation 2794213 (VCV002794213.4), dbSNP rs587782579, ClinGen allele CA395123748.
Genomic context (GRCh38, chr16:23,629,233, plus strand): 5'-ACGAGACACTGGAAGAGAATATTCTTCTGACCTTTAACTCTGAAACCAATTGTAGGTTGC[C>G]TGGGTTTATGCTATCAGAAGCAGGAAGCTCTGCTGTTTCAGTCTGTGAAAACAAAAGTCA-3'
Protein context (NP_078951.2, residues 843-863): ELPASDSINP[Gly853Arg]NLQLVSELKN